The following is an entry in ClinVar:

NM_001099274.3(TINF2):c.913A>G (p.Ser305Gly)

Gene: TINF2 (TERF1 interacting nuclear factor 2; minus strand). Cytogenetic location: 14q12.
Variant type: single nucleotide variant.
Coding change: c.913A>G on transcript NM_001099274.3 (MANE Select); coding-DNA position 913, A replaced by G.
Protein change: p.Ser305Gly; replaces serine 305 with glycine.
Molecular consequence: missense variant.
Genome position (GRCh38, 1-based): chr14:24,240,567, T>C on the plus strand (A>G on the coding strand, the complement: TINF2 is on the minus strand). VCF-style: chr14-24240567-T-C. GRCh37 (hg19) VCF-style: chr14-24709773-T-C.
Other names: c.808A>G, p.Ser270Gly (NM_001363668.2); c.913A>G, p.Ser305Gly (NM_012461.3); short protein forms S270G, S305G.
Identifiers: ClinVar variation 3696467 (VCV003696467.2).

ClinVar aggregate classification (germline): Uncertain significance (1 of 4 stars; one submission).

Conditions:
Dyskeratosis congenita. Identifiers: Orphanet 1775, MedGen C0265965, MONDO:0015780.

gnomAD v4.1: 11 of 1,614,202 alleles (0.00068%); highest among the groups gnomAD compares: Non-Finnish European, 0.00093%; no homozygotes.

Submission:

Labcorp Genetics (formerly Invitae), Labcorp
Classification: Uncertain significance for Dyskeratosis congenita. Last evaluated: 2024-04-02. Review status: criteria provided, single submitter. Criteria: Invitae Variant Classification Sherloc (09022015). Collection method: clinical testing. Allele origin: germline.
Comment: This sequence change replaces serine, which is neutral and polar, with glycine, which is neutral and non-polar, at codon 305 of the TINF2 protein (p.Ser305Gly). This variant is present in population databases (rs149375623, gnomAD 0.002%). This variant has not been reported in the literature in individuals affected with TINF2-related conditions. An algorithm developed to predict the effect of missense changes on protein structure and function (PolyPhen-2) suggests that this variant is likely to be tolerated. In summary, the available evidence is currently insufficient to determine the role of this variant in disease. Therefore, it has been classified as a Variant of Uncertain Significance.